The following continues an entry in ClinVar:

NM_001267550.2(TTN):c.72146T>C (p.Leu24049Pro)

ClinVar aggregate classification (germline): Conflicting classifications of pathogenicity. Uncertain significance (8); VUS-high (1); Benign (2); Likely benign (8).

Submissions 15 to 20 of 20:

Illumina Laboratory Services, Illumina
Classification: Uncertain significance for Early-onset myopathy with fatal cardiomyopathy. Last evaluated: 2018-01-12. Review status: criteria provided, single submitter. Criteria: ICSL Variant Classification Criteria 13 December 2019. Collection method: clinical testing. Allele origin: germline.

Illumina Laboratory Services, Illumina
Classification: Uncertain significance for Dilated cardiomyopathy 1G. Last evaluated: 2018-01-12. Review status: criteria provided, single submitter. Criteria: ICSL Variant Classification Criteria 13 December 2019. Collection method: clinical testing. Allele origin: germline.

CHEO Genetics Diagnostic Laboratory, Children's Hospital of Eastern Ontario
Classification: Uncertain significance for Cardiomyopathy. Last evaluated: 2017-02-27. Review status: criteria provided, single submitter. Criteria: ACMG Guidelines, 2015. Collection method: clinical testing. Allele origin: germline. Study: Canadian Open Genetics Repository.

Eurofins Ntd Llc (ga)
Classification: Uncertain significance. Last evaluated: 2015-09-22. Review status: criteria provided, single submitter. Criteria: EGL Classification Definitions 2015. Collection method: clinical testing. Allele origin: germline. Observed: 6 variant alleles, 5 heterozygotes.

Biesecker Lab/Clinical Genomics Section, National Institutes of Health
Classification: Uncertain significance. Last evaluated: 2013-06-24. Review status: criteria provided, single submitter. Criteria: Ng et al. (Circ Cardiovasc Genet. 2013). Collection method: research. Allele origin: unknown. Observed: 1 variant allele. Study: ClinSeq.
Comment: The study set was not selected for affection status in relation to any cancer. Pathogenicity categories were based on literature curation. See Pubmed ID:23861362 for details.

Medical sequencing

Practice for Gait Abnormalities, David Pomarino, Competency Network Toe Walking C/o Practice Pomarino
Classification: Likely pathogenic for Tip-toe gait. Review status: no assertion criteria provided. Collection method: clinical testing. Allele origin: germline. Affected: yes. Not counted in ClinVar's aggregate classification.
Comment: Myopathy refers to diseases that affect skeletal Muscles. These diseases attack muscle fibers, making muscles weak. Inherited myopathies are often caused by inheriting an abnormal gene mutation from a parent that causes the disease. Symptoms of congenital myopathies usually start at birth or in early childhood, but may not appear until the teen years or even later in adulthood. Congenital myopathies are somewhat unique compared with other inherited myopathies, as weakness typically affects all muscles and is often not progressive. Symptoms are: Muscle weakness, most commonly of upper arms and shoulders and thighs, muscle cramps, stiffness and spasms, fatigue with exertion and lack of energy. Our patients all walk on tiptoe, so they show similar symptoms. When we genetically test them with our toe walking panel, we find that around 90 per cent of them have a genetic variant that explains their toe walking. These can be assigned, for example, to the area of myopathies (such as variants of the COL6A3 gene), the area of hereditary neuropathies (such as variants of the KMT2C gene) or the area of metabolic diseases (such as variants of the PYGM gene). In a smaller group of patients with almost identical symptoms, no abnormality is found in the genes of our panel, but spastic paraplegia can be detected. In another small group of our toe walkers, no abnormalities can be detected in the genes analysed in our toe walking panel, nor do they suffer from spastic paraplegia, as is also the case with healthy children. In contrast to these, however, they show a tiptoe gait. These patients suffer from infantile cerebral palsy, in which toe walking can also be observed.

Literature cited by the submitters: DOI 10.1101/2025.07.17.25331139 (cited by Myofin, Folkhalsan Research Center); PubMed 26516846 (cited by Mayo Clinic Laboratories, Mayo Clinic and Women's Health and Genetics/Laboratory Corporation of America, LabCorp); PubMed 35207729 (cited by Mayo Clinic Laboratories, Mayo Clinic); PubMed 23396983 (cited by Women's Health and Genetics/Laboratory Corporation of America, LabCorp); PubMed 37091313 (cited by Practice for Gait Abnormalities, David Pomarino, Competency Network Toe Walking C/o Practice Pomarino).